The following is an entry in ClinVar:

ClinVar aggregate classification (germline): Likely pathogenic (1 of 4 stars; one submission).

Conditions:
Primary ciliary dyskinesia. Also called: Ciliary dyskinesia. Identifiers: Orphanet 244, MedGen C0008780, MONDO:0016575, HP:0012265.

Submission:

Labcorp Genetics (formerly Invitae), Labcorp
Classification: Likely pathogenic for Primary ciliary dyskinesia. Last evaluated: 2020-09-01. Review status: criteria provided, single submitter. Criteria: Invitae Variant Classification Sherloc (09022015). Collection method: clinical testing. Allele origin: germline.
Comment: This variant results in the deletion of exon 4 and part of exon 5 (c.278-225_440del) of the DNAH5 gene. It is expected to disrupt RNA splicing and likely results in an absent or disrupted protein product. This variant has been observed in individual(s) with clinical features of primary ciliary dyskinesia (Invitae). Loss-of-function variants in DNAH5 are known to be pathogenic (PMID: 11788826, 16627867). In summary, the currently available evidence indicates that the variant is pathogenic, but additional data are needed to prove that conclusively. Therefore, this variant has been classified as Likely Pathogenic.

Literature cited by the submitters: PubMed 11788826; PubMed 16627867.

NC_000005.9:g.(?_13922436)_13923774del

Gene: DNAH5 (dynein axonemal heavy chain 5; minus strand).
Variant type: Deletion.
Identifiers: ClinVar variation 1067685 (VCV001067685.2).